The following is an entry in ClinVar:

ClinVar aggregate classification (germline): Uncertain significance (1 of 4 stars; one submission).

Conditions:
Hereditary cancer-predisposing syndrome. Also called: Neoplastic Syndromes, Hereditary; Hereditary Cancer Syndrome; Hereditary neoplastic syndrome; Tumor predisposition. Identifiers: Orphanet 140162, MedGen C0027672, MeSH D009386, MONDO:0015356.

Allele frequency attached by ClinVar (database versions not stated): gnomAD exomes below 0.00001; TOPMed below 0.00001; gnomAD 0.00001.
gnomAD v4.1: 2 of 1,613,526 alleles (0.00012%); highest among the groups gnomAD compares: Non-Finnish European, 0.00017%; no homozygotes.

Submission:

Ambry Genetics
Classification: Uncertain significance for Hereditary cancer-predisposing syndrome. Last evaluated: 2023-04-20. Review status: criteria provided, single submitter. Criteria: Ambry Variant Classification Scheme 2023. Collection method: clinical testing. Allele origin: germline.
Comment: The p.W186L variant (also known as c.557G>T), located in coding exon 3 of the FLCN gene, results from a G to T substitution at nucleotide position 557. The tryptophan at codon 186 is replaced by leucine, an amino acid with similar properties. This amino acid position is conserved. In addition, this alteration is predicted to be deleterious by in silico analysis. Since supporting evidence is limited at this time, the clinical significance of this alteration remains unclear.

NM_144997.7(FLCN):c.557G>T (p.Trp186Leu)

Gene: FLCN (folliculin; minus strand). Cytogenetic location: 17p11.2.
Variant type: single nucleotide variant.
Coding change: c.557G>T on transcript NM_144997.7 (MANE Select); coding-DNA position 557, G replaced by T.
Protein change: p.Trp186Leu; replaces tryptophan 186 with leucine.
Molecular consequence: missense variant.
Genome position (GRCh38, 1-based): chr17:17,223,983, C>A on the plus strand (G>T on the coding strand, the complement: FLCN is on the minus strand). VCF-style: chr17-17223983-C-A. GRCh37 (hg19) VCF-style: chr17-17127297-C-A.
Other names: c.611G>T, p.Trp204Leu (NM_001353229.2); c.557G>T, p.Trp186Leu (NM_001353230.2, NM_001353231.2, NM_144606.7); short protein forms W204L, W186L.
Identifiers: ClinVar variation 2561016 (VCV002561016.2), dbSNP rs876658409, ClinGen allele CA398534293.